The following is an entry in ClinVar:

ClinVar aggregate classification (germline): Uncertain significance (1 of 4 stars; one submission).

Submission:

GeneDx
Classification: Uncertain significance. Last evaluated: 2022-05-19. Review status: criteria provided, single submitter. Criteria: GeneDx Variant Classification Process June 2021. Collection method: clinical testing. Allele origin: germline. Affected: yes.
Comment: Has not been previously published as pathogenic or benign to our knowledge; Not observed at significant frequency in large population cohorts (gnomAD); In silico analysis supports that this missense variant has a deleterious effect on protein structure/function

NM_000548.5(TSC2):c.5171A>C (p.Gln1724Pro)

Gene: TSC2 (TSC complex subunit 2; plus strand). Cytogenetic location: 16p13.3.
Variant type: single nucleotide variant.
Coding change: c.5171A>C on transcript NM_000548.5 (MANE Select); coding-DNA position 5171, A replaced by C.
Protein change: p.Gln1724Pro; replaces glutamine 1724 with proline.
Molecular consequence: missense variant. On other transcripts: non-coding transcript variant (5), splice acceptor variant (1).
Genome position (GRCh38, 1-based): chr16:2,088,237, A>C. VCF-style: chr16-2088237-A-C. GRCh37 (hg19) VCF-style: chr16-2138238-A-C.
Other names: c.4970A>C, p.Gln1657Pro (NM_001077183.3); c.5102A>C, p.Gln1701Pro (NM_001114382.3); c.4862A>C, p.Gln1621Pro (NM_001318827.2); c.4826A>C, p.Gln1609Pro (NM_001318829.2); c.4439A>C, p.Gln1480Pro (NM_001318831.2); c.5003A>C, p.Gln1668Pro (NM_001318832.2); c.4973A>C, p.Gln1658Pro (NM_001363528.2); c.5039A>C, p.Gln1680Pro (NM_001370404.1); and 27 more; short protein forms Q1480P, Q1609P, Q1621P, Q1657P, Q1658P, Q1668P, Q1680P, Q1681P.
Identifiers: ClinVar variation 1686734 (VCV001686734.2), dbSNP rs923367492, ClinGen allele CA394313925.